The following is an entry in ClinVar:

NM_001013838.3(CARMIL2):c.2863C>T (p.His955Tyr)

Gene: CARMIL2 (capping protein regulator and myosin 1 linker 2; plus strand). Cytogenetic location: 16q22.1.
Variant type: single nucleotide variant.
Coding change: c.2863C>T on transcript NM_001013838.3 (MANE Select); coding-DNA position 2863, C replaced by T.
Protein change: p.His955Tyr; replaces histidine 955 with tyrosine.
Molecular consequence: missense variant.
Genome position (GRCh38, 1-based): chr16:67,652,517, C>T. VCF-style: chr16-67652517-C-T. GRCh37 (hg19) VCF-style: chr16-67686420-C-T.
Other names: c.2755C>T, p.His919Tyr (NM_001317026.3); short protein forms H919Y, H955Y.
Identifiers: ClinVar variation 1012404 (VCV001012404.43), dbSNP rs375703106, ClinGen allele CA8113924.

ClinVar aggregate classification (germline): Uncertain significance. Review status: criteria provided, multiple submitters, no conflicts (2 of 4 stars). 3 submissions from 3 submitters: Uncertain significance (3). Last evaluated 2025-12-24.

Allele frequency attached by ClinVar (database versions not stated): gnomAD exomes 0.00012 and 0.00017; gnomAD 0.00013; 1000 Genomes Project 30x 0.00016; ExAC 0.00016; ESP Exome Variant Server 0.00016; 1000 Genomes Project 0.00020; TOPMed 0.00024.
gnomAD v4.1: 269 of 1,613,628 alleles (0.017%); highest among the groups gnomAD compares: Admixed American, 0.022%; no homozygotes.

Submissions (3):

Labcorp Genetics (formerly Invitae), Labcorp
Classification: Uncertain significance. Last evaluated: 2025-12-24. Review status: criteria provided, single submitter. Criteria: Invitae Variant Classification Sherloc (09022015). Collection method: clinical testing. Allele origin: germline.
Comment: This sequence change replaces histidine, which is basic and polar, with tyrosine, which is neutral and polar, at codon 955 of the CARMIL2 protein (p.His955Tyr). This variant is present in population databases (rs375703106, gnomAD 0.02%). This variant has not been reported in the literature in individuals affected with CARMIL2-related conditions. ClinVar contains an entry for this variant (Variation ID: 1012404). Invitae Evidence Modeling of protein sequence and biophysical properties (such as structural, functional, and spatial information, amino acid conservation, physicochemical variation, residue mobility, and thermodynamic stability) indicates that this missense variant is not expected to disrupt CARMIL2 protein function with a negative predictive value of 80%. In summary, the available evidence is currently insufficient to determine the role of this variant in disease. Therefore, it has been classified as a Variant of Uncertain Significance.

Blueprint Genetics
Classification: Uncertain significance. Last evaluated: 2024-05-16. Review status: criteria provided, single submitter. Criteria: ACMG Guidelines, 2015. Collection method: clinical testing. Allele origin: germline.

CeGaT Center for Human Genetics Tuebingen
Classification: Uncertain significance. Last evaluated: 2021-01-01. Review status: criteria provided, single submitter. Criteria: CeGaT Center For Human Genetics Tuebingen Variant Classification Criteria Version 2. Collection method: clinical testing. Allele origin: germline. Affected: yes. Observed: 1 variant allele.